The following is an entry in ClinVar:

ClinVar aggregate classification (germline): Uncertain significance (1 of 4 stars; one submission).

Conditions:
Familial adenomatous polyposis 1 (FAP1). Also called: FAMILIAL ADENOMATOUS POLYPOSIS 1, ATTENUATED; POLYPOSIS, ADENOMATOUS INTESTINAL. Identifiers: MedGen C2713442, MONDO:0021056, OMIM 175100. Disease mechanism: loss of function.

Submission:

Labcorp Genetics (formerly Invitae), Labcorp
Classification: Uncertain significance for Familial adenomatous polyposis 1. Last evaluated: 2023-06-14. Review status: criteria provided, single submitter. Criteria: Invitae Variant Classification Sherloc (09022015). Collection method: clinical testing. Allele origin: germline.
Comment: This variant occurs in a non-coding region of the APC gene. It does not change the encoded amino acid sequence of the APC protein. This variant is not present in population databases (gnomAD no frequency). This variant has not been reported in the literature in individuals affected with APC-related conditions. Experimental studies and prediction algorithms are not available or were not evaluated, and the functional significance of this variant is currently unknown. In summary, the available evidence is currently insufficient to determine the role of this variant in disease. Therefore, it has been classified as a Variant of Uncertain Significance.

NM_001127511.3(APC):c.-116C>G

Gene: APC (APC regulator of Wnt signaling pathway; plus strand). Cytogenetic location: 5q22.2.
Variant type: single nucleotide variant.
Coding change: c.-116C>G on transcript NM_001127511.3; 116 bases upstream of the start codon, C replaced by G.
Molecular consequence: 5 prime UTR variant. On other transcripts: non-coding transcript variant (2).
Genome position (GRCh38, 1-based): chr5:112,707,602, C>G. VCF-style: chr5-112707602-C-G. GRCh37 (hg19) VCF-style: chr5-112043299-C-G.
Other names: c.-299C>G (NM_001354895.2, NM_001407447.1, NM_001407452.1 and 3 more transcripts); c.-116C>G (NM_001354897.2, NM_001354902.2, NM_001407446.1); c.-66C>G (NM_001407448.1, NM_001407450.1, NM_001407457.1 and 1 more transcripts); c.-90C>G (NM_001407453.1); c.-1334C>G (NM_001407470.1, NM_001407472.1).
Identifiers: ClinVar variation 1038728 (VCV001038728.9), dbSNP rs1750586844, ClinGen allele CA1573442520.
Genomic context (GRCh38, chr5:112,707,602, plus strand): 5'-AGCAAGGGGGCGGGGTGTGGCCGCCGGAAGCCTAGCCGCTGCTCGGGGGGGACCTGCGGG[C>G]TCAGGCCCGGGAGCTGCGGACCGAGGTTGGCTCGATGCTGTTCCCAGGTACTGTTGTTGG-3'